The following is an entry in ClinVar:

NM_022455.5(NSD1):c.4702del (p.Leu1568fs)

Gene: NSD1 (nuclear receptor binding SET domain protein 1; plus strand). Cytogenetic location: 5q35.3.
Variant type: Deletion.
Coding change: c.4702del on transcript NM_022455.5 (MANE Select); coding-DNA position 4702, one base deleted (C; older notation c.4702delC).
Protein change: p.Leu1568fs; shifts the reading frame from leucine 1568.
Molecular consequence: frameshift variant.
Genome position (GRCh38, 1-based): chr5:177,251,790, C deleted; the last of 2 consecutive C bases (chr5:177,251,789-177,251,790); deleting either gives the same sequence. VCF-style (leftmost placement, unchanged base first): chr5-177251788-AC-A. GRCh37 (hg19) VCF-style: chr5-176678789-AC-A.
Other names: c.3829delC, p.Leu1277Trpfs (NM_001365684.2, NM_001409306.1, NM_001409307.1 and 3 more transcripts); c.4702delC, p.Leu1568Trpfs (NM_001409301.1, NM_001409302.1, NM_001409303.1 and 1 more transcripts); c.4282delC, p.Leu1428Trpfs (NM_001409304.1); c.3949delC, p.Leu1317Trpfs (NM_001409305.1); short protein forms L1299fs, L1568fs.
Identifiers: ClinVar variation 864119 (VCV000864119.9), dbSNP rs1755987983, ClinGen allele CA916081470.
Genomic context (GRCh38, chr5:177,251,788, plus strand): 5'-AGAATTGTGAAAAATTGGGTGAGCTGCTGTTATGTGAGGCTCAGTGCTGTGGGGCTTTCC[AC>A]CTGGAGTGCCTTGGATTGACTGAGATGCCAAGAGGAAAATTTATCTGCAATGAATGTCGC-3'

ClinVar aggregate classification (germline): Pathogenic (1 of 4 stars; one submission).

Submission:

Labcorp Genetics (formerly Invitae), Labcorp
Classification: Pathogenic. Last evaluated: 2019-12-23. Review status: criteria provided, single submitter. Criteria: Invitae Variant Classification Sherloc (09022015). Collection method: clinical testing. Allele origin: germline.
Comment: For these reasons, this variant has been classified as Pathogenic. Loss-of-function variants in NSD1 are known to be pathogenic (PMID: 12464997, 14571271, 15942875, 16247291). This variant has not been reported in the literature in individuals with NSD1-related conditions. This variant is not present in population databases (ExAC no frequency). This sequence change creates a premature translational stop signal (p.Leu1568Trpfs*6) in the NSD1 gene. It is expected to result in an absent or disrupted protein product.

Literature cited by the submitters: PubMed 12464997; PubMed 14571271; PubMed 15942875; PubMed 16247291.